The following is an entry in ClinVar:

ClinVar aggregate classification (germline): Uncertain significance. Review status: criteria provided, multiple submitters, no conflicts (2 of 4 stars). 2 submissions from 2 submitters: Uncertain significance (2). Last evaluated 2025-09-08.

Conditions:
Glucose-6-phosphate transport defect (GSD1B). Also called: Glycogen Storage Disease Type Ib; GSD Ib. Identifiers: Orphanet 364, Orphanet 79259, MedGen C0268146, MONDO:0009288, OMIM 232220.
Phosphate transport defect (GSD1C). Also called: GLYCOGEN STORAGE DISEASE Ic; GSD Ic. Identifiers: Orphanet 364, Orphanet 79259, MedGen C0342749, OMIM 232240.
Congenital disorder of glycosylation, type IIw. Identifiers: MedGen C5561986, MONDO:0030437, OMIM 619525.

Submissions (2):

Labcorp Genetics (formerly Invitae), Labcorp
Classification: Uncertain significance for Glucose-6-phosphate transport defect. Last evaluated: 2025-09-08. Review status: criteria provided, single submitter. Criteria: Invitae Variant Classification Sherloc (09022015). Collection method: clinical testing. Allele origin: germline.
Comment: This sequence change replaces glutamic acid, which is acidic and polar, with aspartic acid, which is acidic and polar, at codon 429 of the SLC37A4 protein (p.Glu429Asp). This variant is not present in population databases (gnomAD no frequency). This variant has not been reported in the literature in individuals affected with SLC37A4-related conditions. ClinVar contains an entry for this variant (Variation ID: 1411318). Invitae Evidence Modeling of protein sequence and biophysical properties (such as structural, functional, and spatial information, amino acid conservation, physicochemical variation, residue mobility, and thermodynamic stability) indicates that this missense variant is not expected to disrupt SLC37A4 protein function with a negative predictive value of 95%. In summary, the available evidence is currently insufficient to determine the role of this variant in disease. Therefore, it has been classified as a Variant of Uncertain Significance.

Fulgent Genetics
Classification: Uncertain significance for Glucose-6-phosphate transport defect; Phosphate transport defect; Congenital disorder of glycosylation, type IIw. Last evaluated: 2021-08-02. Review status: criteria provided, single submitter. Criteria: ACMG Guidelines, 2015. Collection method: clinical testing. Allele origin: unknown.

NM_001164277.2(SLC37A4):c.1287G>C (p.Glu429Asp)

Gene: SLC37A4 (solute carrier family 37 member 4; minus strand). Cytogenetic location: 11q23.3.
Variant type: single nucleotide variant.
Coding change: c.1287G>C on transcript NM_001164277.2 (MANE Select); coding-DNA position 1287, G replaced by C.
Protein change: p.Glu429Asp; replaces glutamic acid 429 with aspartic acid.
Molecular consequence: missense variant.
Genome position (GRCh38, 1-based): chr11:119,024,913, C>G on the plus strand (G>C on the coding strand, the complement: SLC37A4 is on the minus strand). VCF-style: chr11-119024913-C-G. GRCh37 (hg19) VCF-style: chr11-118895623-C-G.
Other names: c.1353G>C, p.Glu451Asp (NM_001164278.2); c.1068G>C, p.Glu356Asp (NM_001164279.2); c.1287G>C, p.Glu429Asp (NM_001164280.2, NM_001467.6); short protein forms E451D, E429D, E356D.
Identifiers: ClinVar variation 1411318 (VCV001411318.6), dbSNP rs1483724786, ClinGen allele CA382893118.